The following is an entry in ClinVar:

ClinVar aggregate classification (germline): Uncertain significance (1 of 4 stars; one submission).

Conditions:
KBG syndrome (KBGS). Also called: ANKRD11-Related KBG Syndrome. Identifiers: Orphanet 2332, MedGen C0220687, MONDO:0007846, OMIM 148050.

Submission:

Laboratorio de Genetica e Diagnostico Molecular, Hospital Israelita Albert Einstein
Classification: Uncertain significance for KBG syndrome. Last evaluated: 2024-06-24. Review status: criteria provided, single submitter. Criteria: ACMG Guidelines, 2015. Collection method: clinical testing. Allele origin: germline. Affected: yes.
Comment: ACMG classification criteria: PM2 supporting, BP4 supporting

NM_013275.6(ANKRD11):c.1075C>T (p.Pro359Ser)

Gene: ANKRD11 (ankyrin repeat domain 11; minus strand). Cytogenetic location: 16q24.3.
Variant type: single nucleotide variant.
Coding change: c.1075C>T on transcript NM_013275.6 (MANE Select); coding-DNA position 1075, C replaced by T.
Protein change: p.Pro359Ser; replaces proline 359 with serine.
Molecular consequence: missense variant.
Genome position (GRCh38, 1-based): chr16:89,285,467, G>A on the plus strand (C>T on the coding strand, the complement: ANKRD11 is on the minus strand). VCF-style: chr16-89285467-G-A. GRCh37 (hg19) VCF-style: chr16-89351875-G-A.
Other names: c.1075C>T, p.Pro359Ser (NM_001256182.2, NM_001256183.2); short protein forms P359S.
Identifiers: ClinVar variation 3901028 (VCV003901028.1).